The following is an entry in ClinVar:

ClinVar aggregate classification (germline): Benign (3 of 4 stars; one submission).

Conditions:
Breast-ovarian cancer, familial, susceptibility to, 1 (BROVCA1). Also called: OVARIAN CANCER, SUSCEPTIBILITY TO; BRCA1 Hereditary Breast and Ovarian Cancer. Identifiers: Orphanet 145, MedGen C2676676, MONDO:0011450, OMIM 604370. Disease mechanism: loss of function.

Allele frequency attached by ClinVar (database versions not stated): TOPMed 0.31227; 1000 Genomes Project 30x 0.35197; 1000 Genomes Project 0.35783.
gnomAD v4.1: 49,527 of 151,896 alleles (33%); highest among the groups gnomAD compares: South Asian, 50%; 8,441 homozygotes.

Submission:

Evidence-based Network for the Interpretation of Germline Mutant Alleles (ENIGMA)
Classification: Benign for Breast-ovarian cancer, familial 1. Last evaluated: 2015-01-12. Review status: reviewed by expert panel. Criteria: ENIGMA BRCA1/2 Classification Criteria (2015). Collection method: curation. Allele origin: germline.
Comment: Class 1 not pathogenic based on frequency >1% in an outbred sampleset. Frequency 0.33 (Asian), 0.21 (African), 0.37 (European), derived from 1000 genomes (2012-04-30).

NM_007294.3(BRCA1):c.-2502T>C

Genes: BRCA1 (BRCA1 DNA repair associated; minus strand), NBR2 (neighbor of BRCA1 lncRNA 2; plus strand). Cytogenetic location: 17q21.31.
Variant type: single nucleotide variant.
Coding change: c.-2502T>C on transcript NM_007294.3; 2502 bases upstream of the start codon, T replaced by C.
Molecular consequence: intron variant (on NM_001408458.1).
Genome position (GRCh38, 1-based): chr17:43,127,753, A>G on the plus strand (T>C on the coding strand, the complement: BRCA1 is on the minus strand). VCF-style: chr17-43127753-A-G. GRCh37 (hg19) VCF-style: chr17-41279770-A-G.
Other names: -2383 T>C; c.-61-11974T>C (NM_001408458.1).
Identifiers: ClinVar variation 209593 (VCV000209593.3), dbSNP rs34410138, ClinGen allele CA276562.